The following is an entry in ClinVar:

NM_001385641.1(SAMD11):c.1327G>A (p.Ala443Thr)

Gene: SAMD11 (sterile alpha motif domain containing 11; plus strand). Cytogenetic location: 1p36.33.
Variant type: single nucleotide variant.
Coding change: c.1327G>A on transcript NM_001385641.1 (MANE Select); coding-DNA position 1327, G replaced by A.
Protein change: p.Ala443Thr; replaces alanine 443 with threonine.
Molecular consequence: missense variant.
Genome position (GRCh38, 1-based): chr1:941,275, G>A. VCF-style: chr1-941275-G-A. GRCh37 (hg19) VCF-style: chr1-876655-G-A.
Other names: c.1330G>A, p.Ala444Thr (NM_001385640.1); c.838G>A, p.Ala280Thr (NM_152486.4); short protein forms A280T, A444T, A443T.
Identifiers: ClinVar variation 1920718 (VCV001920718.2), dbSNP rs777423484, ClinGen allele CA502823.

ClinVar aggregate classification (germline): Uncertain significance (1 of 4 stars; one submission).

Allele frequency attached by ClinVar (database versions not stated): gnomAD 0.00001; gnomAD exomes 0.00001; TOPMed 0.00001; ExAC 0.00002.
gnomAD v4.1: 8 of 1,594,724 alleles (0.0005%); highest among the groups gnomAD compares: Admixed American, 0.012%; no homozygotes.

Submission:

Labcorp Genetics (formerly Invitae), Labcorp
Classification: Uncertain significance. Last evaluated: 2022-08-23. Review status: criteria provided, single submitter. Criteria: Invitae Variant Classification Sherloc (09022015). Collection method: clinical testing. Allele origin: germline.
Comment: This sequence change replaces alanine, which is neutral and non-polar, with threonine, which is neutral and polar, at codon 280 of the SAMD11 protein (p.Ala280Thr). This variant is present in population databases (rs777423484, gnomAD 0.02%). This variant has not been reported in the literature in individuals affected with SAMD11-related conditions. Algorithms developed to predict the effect of missense changes on protein structure and function output the following: SIFT: "Tolerated"; PolyPhen-2: "Benign"; Align-GVGD: "Class C0". The threonine amino acid residue is found in multiple mammalian species, which suggests that this missense change does not adversely affect protein function. In summary, the available evidence is currently insufficient to determine the role of this variant in disease. Therefore, it has been classified as a Variant of Uncertain Significance.